The following is an entry in ClinVar:

NM_004168.4(SDHA):c.678G>A (p.Met226Ile)

Gene: SDHA (succinate dehydrogenase complex flavoprotein subunit A; plus strand). Cytogenetic location: 5p15.33.
Variant type: single nucleotide variant.
Coding change: c.678G>A on transcript NM_004168.4 (MANE Select); coding-DNA position 678, G replaced by A.
Protein change: p.Met226Ile; replaces methionine 226 with isoleucine.
Molecular consequence: missense variant.
Genome position (GRCh38, 1-based): chr5:228,241, G>A. VCF-style: chr5-228241-G-A. GRCh37 (hg19) VCF-style: chr5-228356-G-A.
Other names: c.534G>A, p.Met178Ile (NM_001294332.2); c.678G>A, p.Met226Ile (NM_001330758.2); short protein forms M226I, M178I.
Identifiers: ClinVar variation 567060 (VCV000567060.9), dbSNP rs745884899, ClinGen allele CA3172941.
Genomic context (GRCh38, chr5:228,241, plus strand): 5'-TTAGTCTCTGCGATATGATACCAGCTATTTTGTGGAGTATTTTGCCTTGGATCTCCTGAT[G>A]GAGAATGGGGAGTGCCGTGGTGTCATCGCACTGTGCATAGAGGACGGGTCCATCCATCGC-3'
Protein context (NP_004159.2, residues 216-236): FVEYFALDLL[Met226Ile]ENGECRGVIA

ClinVar aggregate classification (germline): Uncertain significance (1 of 4 stars; one submission).

Conditions:
Mitochondrial complex II deficiency, nuclear type 1. Also called: SUCCINATE CoQ REDUCTASE DEFICIENCY. Identifiers: Orphanet 3208, MedGen C5700310, MONDO:0100294, OMIM 252011.
Pheochromocytoma/paraganglioma syndrome 5. Also called: Paragangliomas 5; SDHA-Related Hereditary Paraganglioma-Pheochromocytoma Syndrome. Identifiers: Orphanet 29072, MedGen C3279992, MONDO:0013602, OMIM 614165.

Allele frequency attached by ClinVar (database versions not stated): gnomAD exomes below 0.00001; ExAC 0.00001.
gnomAD v4.1: 1 of 1,613,846 alleles (0.000062%); highest among the groups gnomAD compares: South Asian, 0.0011%; no homozygotes.

Submission:

Labcorp Genetics (formerly Invitae), Labcorp
Classification: Uncertain significance for Pheochromocytoma/paraganglioma syndrome 5; Mitochondrial complex II deficiency, nuclear type 1. Last evaluated: 2024-04-30. Review status: criteria provided, single submitter. Criteria: Invitae Variant Classification Sherloc (09022015). Collection method: clinical testing. Allele origin: germline.
Comment: This sequence change replaces methionine, which is neutral and non-polar, with isoleucine, which is neutral and non-polar, at codon 226 of the SDHA protein (p.Met226Ile). This variant is present in population databases (rs745884899, gnomAD 0.003%). This variant has not been reported in the literature in individuals affected with SDHA-related conditions. ClinVar contains an entry for this variant (Variation ID: 567060). Advanced modeling of protein sequence and biophysical properties (such as structural, functional, and spatial information, amino acid conservation, physicochemical variation, residue mobility, and thermodynamic stability) performed at Invitae indicates that this missense variant is not expected to disrupt SDHA protein function with a negative predictive value of 95%. RNA analysis performed to evaluate the impact of this missense change on mRNA splicing indicates it does not significantly alter splicing (Invitae). In summary, the available evidence is currently insufficient to determine the role of this variant in disease. Therefore, it has been classified as a Variant of Uncertain Significance.